The following is an entry in ClinVar:

NM_022124.6(CDH23):c.9731T>C (p.Ile3244Thr)

Gene: CDH23 (cadherin related 23; plus strand). Cytogenetic location: 10q22.1.
Variant type: single nucleotide variant.
Coding change: c.9731T>C on transcript NM_022124.6 (MANE Select); coding-DNA position 9731, T replaced by C.
Protein change: p.Ile3244Thr; replaces isoleucine 3244 with threonine.
Molecular consequence: missense variant. On other transcripts: intron variant (2).
Genome position (GRCh38, 1-based): chr10:71,813,341, T>C. VCF-style: chr10-71813341-T-C. GRCh37 (hg19) VCF-style: chr10-73573098-T-C.
Other names: c.3011T>C, p.Ile1004Thr (NM_001171933.1); c.422T>C, p.Ile141Thr (NM_001171935.1); c.2913+451T>C (NM_001171934.1); c.324+451T>C (NM_001171936.1); short protein forms I1004T, I141T, I3244T.
Identifiers: ClinVar variation 5017847 (VCV005017847.1).

ClinVar aggregate classification (germline): Uncertain significance (1 of 4 stars; one submission).

gnomAD v4.1: 1 of 1,551,550 alleles (0.000064%); highest among the groups gnomAD compares: Non-Finnish European, 0.000087%; no homozygotes.

Submission:

GeneDx
Classification: Uncertain significance. Last evaluated: 2026-04-02. Review status: criteria provided, single submitter. Criteria: GeneDx Variant Classification Process June 2021. Collection method: clinical testing. Allele origin: germline.
Comment: Not observed at significant frequency in large population cohorts (gnomAD); In silico analysis suggests that this missense variant does not alter protein structure/function; Has not been previously published as pathogenic or benign to our knowledge